The following is an entry in ClinVar:

NM_000235.4(LIPA):c.229+3A>C

Gene: LIPA (lipase A, lysosomal acid type; minus strand). Cytogenetic location: 10q23.31.
Variant type: single nucleotide variant.
Coding change: c.229+3A>C on transcript NM_000235.4 (MANE Select); 3 bases into the intron after coding-DNA position 229, A replaced by C.
Molecular consequence: intron variant.
Genome position (GRCh38, 1-based): chr10:89,245,673, T>G on the plus strand (A>C on the coding strand, the complement: LIPA is on the minus strand). VCF-style: chr10-89245673-T-G. GRCh37 (hg19) VCF-style: chr10-91005430-T-G.
Other names: c.62-17275A>C (NM_001440839.1); c.229+3A>C (NM_001440819.1, NM_001440821.1, NM_001440824.1 and 17 more transcripts); c.244+3A>C (NM_001440838.1); c.361+3A>C (NM_001440836.1); c.-120+6064A>C (NM_001288979.2).
Identifiers: ClinVar variation 4535576 (VCV004535576.1).

ClinVar aggregate classification (germline): Likely pathogenic (1 of 4 stars; one submission).

Conditions:
Cholesteryl ester storage disease (CESD). Also called: Childhood/Adult-Onset LAL-D (Cholesterol Ester Storage Disease [CESD]). Identifiers: Orphanet 75234, MedGen C0008384, MONDO:0019149, OMIM 278000.

Submission:

Women's Health and Genetics/Laboratory Corporation of America, LabCorp
Classification: Likely pathogenic for Cholesteryl ester storage disease. Last evaluated: 2025-09-11. Review status: criteria provided, single submitter. Criteria: LabCorp Variant Classification Summary - May 2015. Collection method: clinical testing. Allele origin: germline.
Comment: Variant summary: LIPA c.229+3A>C alters a conserved nucleotide located close to a canonical splice site and therefore could affect mRNA splicing, leading to a significantly altered protein sequence. Several computational tools predict a significant impact on normal splicing: Two predict the variant abolishes a canonical 5' splicing donor site and two predict the variant weakens this site. However, these predictions have yet to be confirmed by functional studies. The variant allele was found at a frequency of 8e-06 in 251248 control chromosomes (gnomAD). c.229+3A>C has been observed in a homozygous individual affected with Cholesteryl ester storage disease (Pisciotta_2017). These data indicate that the variant may be associated with disease. This publication reports experimental evidence evaluating an impact on protein function, finding undetectable LAL activity in blood leukocytes of the patient. The following publication has been ascertained in the context of this evaluation (PMID: 28881270). No submitters have cited clinical-significance assessments for this variant to ClinVar. Based on the evidence outlined above, the variant was classified as likely pathogenic.

Literature cited by the submitters: PubMed 28881270.